The following is an entry in ClinVar:

ClinVar aggregate classification (germline): Conflicting classifications of pathogenicity. Review status: criteria provided, conflicting classifications (1 of 4 stars). 6 submissions from 6 submitters: Uncertain significance (4); Likely benign (2). Last evaluated 2025-12-03.

Conditions:
Cardiovascular phenotype. Identifiers: MedGen CN230736.
Arrhythmogenic right ventricular cardiomyopathy (ARVD). Also called: Arrhythmogenic cardiomyopathy; Cardiomyopathy, ARVC; Arrhythmogenic right ventricular dysplasia; Arrhythmogenic Right Ventricular Cardiomyopathy (ARVC). Identifiers: Orphanet 247, MedGen C0349788, MeSH D019571, MONDO:0016587. Disease mechanism: loss of function. Inheritance: Various modes of inheritance.
Cardiomyopathy (CMYO). Also called: Cardiomyopathies. Identifiers: Orphanet 167848, MedGen C0878544, MONDO:0004994, HP:0001638. Inheritance: Various modes of inheritance.
Arrhythmogenic right ventricular dysplasia 9 (ARVD9). Also called: Arrhythmogenic Right Ventricular Dysplasia/Cardiomyopathy 9; ARRHYTHMOGENIC RIGHT VENTRICULAR DYSPLASIA, FAMILIAL, 9. Identifiers: MedGen C1836906, MONDO:0012180, OMIM 609040.

Allele frequency attached by ClinVar (database versions not stated): gnomAD 0.00001; TOPMed 0.00001.
gnomAD v4.1: 36 of 1,614,056 alleles (0.0022%); highest among the groups gnomAD compares: Non-Finnish European, 0.0025%; no homozygotes.

Submissions (6):

Labcorp Genetics (formerly Invitae), Labcorp
Classification: Uncertain significance for Arrhythmogenic right ventricular dysplasia 9. Last evaluated: 2025-12-03. Review status: criteria provided, single submitter. Criteria: Invitae Variant Classification Sherloc (09022015). Collection method: clinical testing. Allele origin: germline.
Comment: This sequence change replaces serine, which is neutral and polar, with alanine, which is neutral and non-polar, at codon 312 of the PKP2 protein (p.Ser312Ala). This variant is present in population databases (rs756604557, gnomAD 0.002%). This variant has not been reported in the literature in individuals affected with PKP2-related conditions. ClinVar contains an entry for this variant (Variation ID: 921011). An algorithm developed to predict the effect of missense changes on protein structure and function outputs the following: PolyPhen-2: "Benign". The alanine amino acid residue is found in multiple mammalian species, which suggests that this missense change does not adversely affect protein function. In summary, the available evidence is currently insufficient to determine the role of this variant in disease. Therefore, it has been classified as a Variant of Uncertain Significance.

Color Diagnostics, LLC DBA Color Health
Classification: Likely benign for Cardiomyopathy. Last evaluated: 2024-09-04. Review status: criteria provided, single submitter. Criteria: ACMG Guidelines, 2015. Collection method: clinical testing. Allele origin: germline.

All of Us Research Program, National Institutes of Health
Classification: Likely benign for Arrhythmogenic right ventricular cardiomyopathy. Last evaluated: 2023-09-04. Review status: criteria provided, single submitter. Criteria: ACMG Guidelines, 2015. Collection method: clinical testing. Allele origin: germline. Inheritance: Autosomal dominant inheritance. Observed: 4 variant alleles, 4 heterozygotes.
Comment: This study involves interpretation of variants in research participants for the purpose of population health screening. Participant phenotype was not available at the time of variant classification. Additional details can be found in publication PMID: 35346344, PMCID: PMC8962531

Ambry Genetics
Classification: Uncertain significance for Cardiovascular phenotype. Last evaluated: 2023-01-12. Review status: criteria provided, single submitter. Criteria: Ambry Variant Classification Scheme 2023. Collection method: clinical testing. Allele origin: germline.
Comment: The p.S312A variant (also known as c.934T>G), located in coding exon 3 of the PKP2 gene, results from a T to G substitution at nucleotide position 934. The serine at codon 312 is replaced by alanine, an amino acid with similar properties. This amino acid position is conserved. In addition, this alteration is predicted to be tolerated by in silico analysis. Since supporting evidence is limited at this time, the clinical significance of this alteration remains unclear.

Women's Health and Genetics/Laboratory Corporation of America, LabCorp
Classification: Uncertain significance. Last evaluated: 2022-06-16. Review status: criteria provided, single submitter. Criteria: LabCorp Variant Classification Summary - May 2015. Collection method: clinical testing. Allele origin: germline.

GeneDx
Classification: Uncertain significance. Last evaluated: 2019-10-17. Review status: criteria provided, single submitter. Criteria: GeneDx Variant Classification Process June 2021. Collection method: clinical testing. Allele origin: germline. Affected: yes.
Comment: Has not been previously published as pathogenic or benign to our knowledge; Not observed at a significant frequency in large population cohorts (Lek et al., 2016); In silico analysis, which includes protein predictors and evolutionary conservation, supports that this variant does not alter protein structure/function

NM_001005242.3(PKP2):c.934T>G (p.Ser312Ala)

Gene: PKP2 (plakophilin 2; minus strand). Cytogenetic location: 12p11.21.
Variant type: single nucleotide variant.
Coding change: c.934T>G on transcript NM_001005242.3 (MANE Select); coding-DNA position 934, T replaced by G.
Protein change: p.Ser312Ala; replaces serine 312 with alanine.
Molecular consequence: missense variant.
Genome position (GRCh38, 1-based): chr12:32,877,946, A>C on the plus strand (T>G on the coding strand, the complement: PKP2 is on the minus strand). VCF-style: chr12-32877946-A-C. GRCh37 (hg19) VCF-style: chr12-33030880-A-C.
Other names: c.934T>G, p.Ser312Ala (NM_004572.4); short protein forms S312A.
Identifiers: ClinVar variation 921011 (VCV000921011.17), dbSNP rs756604557, ClinGen allele CA235265925.